The following is an entry in ClinVar:

NM_000059.4(BRCA2):c.9340del (p.Ile3114fs)

Gene: BRCA2 (BRCA2 DNA repair associated; plus strand). Cytogenetic location: 13q13.1.
Variant type: Deletion.
Coding change: c.9340del on transcript NM_000059.4 (MANE Select); coding-DNA position 9340, one base deleted (A; older notation c.9340delA).
Protein change: p.Ile3114fs; shifts the reading frame from isoleucine 3114.
Molecular consequence: frameshift variant. On other transcripts: non-coding transcript variant (1).
Genome position (GRCh38, 1-based): chr13:32,394,772, A deleted. VCF-style (leftmost placement, unchanged base first): chr13-32394771-TA-T. GRCh37 (hg19) VCF-style: chr13-32968908-TA-T.
Other names: c.9244del, p.Ile3082fs (NM_001406719.1); c.9289del, p.Ile3097fs (NM_001406720.1); c.4408del, p.Ile1470fs (NM_001406721.1); c.2923del, p.Ile975fs (NM_001406722.1); c.9340del, p.Ile3114fs (NM_001432077.1); short protein forms I1470fs, I3082fs, I3097fs, I3114fs, I975fs.
Identifiers: ClinVar variation 5042326 (VCV005042326.1).
Genomic context (GRCh38, chr13:32,394,771, plus strand): 5'-GTCAGACGAATGTTACAATTTACTGGCAATAAAGTTTTGGATAGACCTTAATGAGGACAT[TA>T]TTAAGCCTCATATGTTAATTGCTGCAAGCAACCTCCAGTGGCGACCAGAATCCAAATCAG-3'

ClinVar aggregate classification (germline): Pathogenic (1 of 4 stars; one submission).

Conditions:
Breast-ovarian cancer, familial, susceptibility to, 2 (BROVCA2). Also called: BRCA2 Hereditary Breast and Ovarian Cancer. Identifiers: Orphanet 145, MedGen C2675520, MONDO:0012933, OMIM 612555. Disease mechanism: loss of function.

Submission:

Myriad Genetics, Inc.
Classification: Pathogenic for Breast-ovarian cancer, familial, susceptibility to, 2. Last evaluated: 2026-09-02. Review status: criteria provided, single submitter. Criteria: Myriad Autosomal Dominant, Autosomal Recessive and X-Linked Classification Criteria (2023). Collection method: clinical testing. Allele origin: unknown.
Comment: This variant is considered pathogenic. This variant creates a frameshift predicted to result in premature protein truncation.